The following is an entry in ClinVar:

NM_020738.4(KIDINS220):c.1704T>G (p.Ile568Met)

Gene: KIDINS220 (kinase D interacting substrate 220; minus strand). Cytogenetic location: 2p25.1.
Variant type: single nucleotide variant.
Coding change: c.1704T>G on transcript NM_020738.4 (MANE Select); coding-DNA position 1704, T replaced by G.
Protein change: p.Ile568Met; replaces isoleucine 568 with methionine.
Molecular consequence: missense variant. On other transcripts: non-coding transcript variant (2).
Genome position (GRCh38, 1-based): chr2:8,788,730, A>C on the plus strand (T>G on the coding strand, the complement: KIDINS220 is on the minus strand). VCF-style: chr2-8788730-A-C. GRCh37 (hg19) VCF-style: chr2-8928860-A-C.
Other names: c.1707T>G, p.Ile569Met (NM_001348729.2, NM_001348731.2, NM_001348734.2 and 3 more transcripts); c.1704T>G, p.Ile568Met (NM_001348732.2, NM_001348735.2, NM_001348738.2 and 3 more transcripts); c.1578T>G, p.Ile526Met (NM_001348736.2); c.1704T>G (NM_020738.2); short protein forms I526M, I569M, I568M.
Identifiers: ClinVar variation 2202181 (VCV002202181.7), dbSNP rs776227065, ClinGen allele CA1520120.

ClinVar aggregate classification (germline): Conflicting classifications of pathogenicity. Review status: criteria provided, conflicting classifications (1 of 4 stars). 3 submissions from 3 submitters: Uncertain significance (2); Likely benign (1). Last evaluated 2026-02-10.

Conditions:
KIDINS220-related disorder. Also called: KIDINS220-related condition.
Inborn genetic diseases. Identifiers: MedGen C0950123, MeSH D030342.

Allele frequency attached by ClinVar (database versions not stated): ExAC 0.00001; TOPMed 0.00001; gnomAD exomes 0.00003.
gnomAD v4.1: 17 of 1,614,146 alleles (0.0011%); highest among the groups gnomAD compares: Admixed American, 0.028%; no homozygotes.

Submissions (3):

PreventionGenetics, part of Exact Sciences
Classification: Uncertain significance for KIDINS220-related condition. Last evaluated: 2026-02-10. Review status: criteria provided, single submitter. Criteria: ACMG Guidelines, 2015. Collection method: clinical testing. Allele origin: germline.
Comment: The KIDINS220 c.1704T>G variant is predicted to result in the amino acid substitution p.Ile568Met. To our knowledge, this variant has not been reported in the literature. This variant is reported in 0.052% of alleles in individuals of Latino descent in gnomAD, which may be too frequent for an unreported disease-causing variant. Although we suspect that this variant may be benign, at this time, the clinical significance of this variant is uncertain due to the absence of conclusive functional and genetic evidence.

Labcorp Genetics (formerly Invitae), Labcorp
Classification: Uncertain significance. Last evaluated: 2025-10-05. Review status: criteria provided, single submitter. Criteria: Invitae Variant Classification Sherloc (09022015). Collection method: clinical testing. Allele origin: germline.
Comment: This sequence change replaces isoleucine, which is neutral and non-polar, with methionine, which is neutral and non-polar, at codon 568 of the KIDINS220 protein (p.Ile568Met). This variant is present in population databases (rs776227065, gnomAD 0.05%). This variant has not been reported in the literature in individuals affected with KIDINS220-related conditions. ClinVar contains an entry for this variant (Variation ID: 2202181). An algorithm developed to predict the effect of missense changes on protein structure and function (PolyPhen-2) suggests that this variant is likely to be tolerated. In summary, the available evidence is currently insufficient to determine the role of this variant in disease. Therefore, it has been classified as a Variant of Uncertain Significance.

Ambry Genetics
Classification: Likely benign for Inborn genetic diseases. Last evaluated: 2021-07-20. Review status: criteria provided, single submitter. Criteria: Ambry Variant Classification Scheme 2023. Collection method: clinical testing. Allele origin: germline.